The following is an entry in ClinVar:

NM_001401600.1(NMNAT3):c.510C>T (p.His170=)

Genes: COPB2-DT (COPB2 divergent transcript; plus strand), NMNAT3 (nicotinamide nucleotide adenylyltransferase 3; minus strand). Cytogenetic location: 3q23.
Variant type: single nucleotide variant.
Coding change: c.510C>T on transcript NM_001401600.1 (MANE Select); coding-DNA position 510, C replaced by T.
Protein change: p.His170=; no amino-acid change (histidine 170 retained).
Molecular consequence: synonymous variant. On other transcripts: 3 prime UTR variant (9), non-coding transcript variant (1).
Genome position (GRCh38, 1-based): chr3:139,561,259, G>A on the plus strand (C>T on the coding strand, the complement: NMNAT3 is on the minus strand). VCF-style: chr3-139561259-G-A. GRCh37 (hg19) VCF-style: chr3-139280101-G-A.
Other names: c.243C>T, p.His81= (NM_001200047.3); c.792C>T, p.His264= (NM_001320510.2, NM_001401598.1, NM_001401599.1); c.510C>T, p.His170= (NM_001320511.2, NM_001320512.2, NM_001401601.1 and 2 more transcripts); c.180C>T, p.His60= (NM_001320513.2); c.*124C>T (NM_001363968.1, NM_001401605.1, NM_001401606.1 and 6 more transcripts); c.399C>T, p.His133= (NM_001401604.1, NM_178177.5).
Identifiers: ClinVar variation 5041282 (VCV005041282.1).

ClinVar aggregate classification (germline): Likely benign (1 of 4 stars; one submission).

gnomAD v4.1: 53 of 1,613,882 alleles (0.0033%); highest among the groups gnomAD compares: African/African-American, 0.039%; no homozygotes.

Submission:

CeGaT Center for Human Genetics Tuebingen
Classification: Likely benign. Last evaluated: 2026-09-01. Review status: criteria provided, single submitter. Criteria: CeGaT Center For Human Genetics Tuebingen Variant Classification Criteria Version 2. Collection method: clinical testing. Allele origin: germline. Affected: yes. Observed: 1 variant allele.
Comment: NMNAT3: BP4, BP7